The following is an entry in ClinVar:

ClinVar aggregate classification (germline): Likely benign (1 of 4 stars; one submission).

gnomAD v4.1: 410 of 1,613,782 alleles (0.025%); highest among the groups gnomAD compares: Non-Finnish European, 0.032%; no homozygotes.

Submission:

CeGaT Center for Human Genetics Tuebingen
Classification: Likely benign. Last evaluated: 2026-03-01. Review status: criteria provided, single submitter. Criteria: CeGaT Center For Human Genetics Tuebingen Variant Classification Criteria Version 2. Collection method: clinical testing. Allele origin: germline. Affected: yes. Observed: 1 variant allele.
Comment: CMPK2: BP4, BP7

NM_207315.4(CMPK2):c.948C>T (p.Ser316=)

Gene: CMPK2 (cytidine/uridine monophosphate kinase 2; minus strand). Cytogenetic location: 2p25.2.
Variant type: single nucleotide variant.
Coding change: c.948C>T on transcript NM_207315.4 (MANE Select); coding-DNA position 948, C replaced by T.
Protein change: p.Ser316=; no amino-acid change (serine 316 retained).
Molecular consequence: synonymous variant. On other transcripts: non-coding transcript variant (1).
Genome position (GRCh38, 1-based): chr2:6,861,228, G>A on the plus strand (C>T on the coding strand, the complement: CMPK2 is on the minus strand). VCF-style: chr2-6861228-G-A. GRCh37 (hg19) VCF-style: chr2-7001359-G-A.
Other names: c.948C>T, p.Ser316= (NM_001256477.1, NM_001256478.1).
Identifiers: ClinVar variation 4821273 (VCV004821273.4).